The following is an entry in ClinVar:

NM_198252.3(GSN):c.1036C>A (p.Arg346=)

Gene: GSN (gelsolin; plus strand). Cytogenetic location: 9q33.2.
Variant type: single nucleotide variant.
Coding change: c.1036C>A on transcript NM_198252.3 (MANE Select); coding-DNA position 1036, C replaced by A.
Protein change: p.Arg346=; no amino-acid change (arginine 346 retained).
Molecular consequence: synonymous variant.
Genome position (GRCh38, 1-based): chr9:121,318,725, C>A. VCF-style: chr9-121318725-C-A. GRCh37 (hg19) VCF-style: chr9-124081003-C-A.
Other names: c.1189C>A, p.Arg397= (NM_000177.5); c.1036C>A, p.Arg346= (NM_001127662.2, NM_001127664.2, NM_001127665.2 and 10 more transcripts); c.1144C>A, p.Arg382= (NM_001127663.2); c.1069C>A, p.Arg357= (NM_001127666.2, NM_001127667.2, NM_001353063.2 and 13 more transcripts); c.1087C>A, p.Arg363= (NM_001258029.2); c.1060C>A, p.Arg354= (NM_001258030.2); c.1108C>A, p.Arg370= (NM_001353076.2); c.382C>A, p.Arg128= (NM_001353078.2).
Identifiers: ClinVar variation 4987229 (VCV004987229.1).
Genomic context (GRCh38, chr9:121,318,725, plus strand): 5'-GTCTCGGTCCTTCCTGAGGGCGGTGAGACCCCACTGTTCAAGCAGTTCTTCAAGAACTGG[C>A]GGGACCCAGACCAGACAGATGGCCTGGGCTTGTCCTACCTTTCCAGCCATATCGCCAACG-3'
Protein context (NP_937895.1, residues 336-356): PLFKQFFKNW[Arg346=]DPDQTDGLGL

ClinVar aggregate classification (germline): Likely benign (1 of 4 stars; one submission).

Conditions:
GSN-related disorder. Also called: GSN-related condition.

gnomAD v4.1: 13 of 1,613,706 alleles (0.00081%); highest among the groups gnomAD compares: African/African-American, 0.0013%; no homozygotes.

Submission:

PreventionGenetics, part of Exact Sciences
Classification: Likely benign for GSN-related condition. Last evaluated: 2026-09-25. Review status: criteria provided, single submitter. Criteria: ACMG Guidelines, 2015. Collection method: clinical testing. Allele origin: germline.
Comment: This variant is classified as likely benign based on ACMG/AMP sequence variant interpretation guidelines (Richards et al. 2015 PMID: 25741868, with internal and published modifications).